The following is an entry in ClinVar:

ClinVar aggregate classification (germline): Uncertain significance (1 of 4 stars; one submission).

Conditions:
Cardiovascular phenotype. Identifiers: MedGen CN230736.
Hereditary cancer-predisposing syndrome. Also called: Neoplastic Syndromes, Hereditary; Tumor predisposition; Hereditary neoplastic syndrome; Hereditary Cancer Syndrome. Identifiers: Orphanet 140162, MedGen C0027672, MeSH D009386, MONDO:0015356.

Submission:

Ambry Genetics
Classification: Uncertain significance for Cardiovascular phenotype; Hereditary cancer-predisposing syndrome. Last evaluated: 2025-06-07. Review status: criteria provided, single submitter. Criteria: Ambry Variant Classification Scheme 2023. Collection method: clinical testing. Allele origin: germline.
Comment: The p.S1847C variant (also known as c.5539A>T), located in coding exon 37 of the NF1 gene, results from an A to T substitution at nucleotide position 5539. The serine at codon 1847 is replaced by cysteine, an amino acid with dissimilar properties. This amino acid position is conserved. In addition, this alteration is predicted to be deleterious by in silico analysis. Based on the available evidence, the clinical significance of this variant remains unclear.

NM_001042492.3(NF1):c.5602A>T (p.Ser1868Cys)

Gene: NF1 (neurofibromin 1; plus strand). Cytogenetic location: 17q11.2.
Variant type: single nucleotide variant.
Coding change: c.5602A>T on transcript NM_001042492.3 (MANE Select); coding-DNA position 5602, A replaced by T.
Protein change: p.Ser1868Cys; replaces serine 1868 with cysteine.
Molecular consequence: missense variant.
Genome position (GRCh38, 1-based): chr17:31,327,832, A>T. VCF-style: chr17-31327832-A-T. GRCh37 (hg19) VCF-style: chr17-29654850-A-T.
Other names: c.5539A>T, p.Ser1847Cys (NM_000267.4); short protein forms S1847C, S1868C.
Identifiers: ClinVar variation 4037167 (VCV004037167.1).